The following is an entry in ClinVar:

ClinVar aggregate classification (germline): Uncertain significance (1 of 4 stars; one submission).

Conditions:
Hereditary cancer-predisposing syndrome. Also called: Hereditary neoplastic syndrome; Hereditary Cancer Syndrome; Neoplastic Syndromes, Hereditary; Tumor predisposition. Identifiers: Orphanet 140162, MedGen C0027672, MeSH D009386, MONDO:0015356.

gnomAD v4.1: 2 of 1,597,266 alleles (0.00013%); highest among the groups gnomAD compares: Non-Finnish European, 0.00017%; no homozygotes.

Submission:

Ambry Genetics
Classification: Uncertain significance for Hereditary cancer-predisposing syndrome. Last evaluated: 2023-06-07. Review status: criteria provided, single submitter. Criteria: Ambry Variant Classification Scheme 2023. Collection method: clinical testing. Allele origin: germline.
Comment: The p.E1187K variant (also known as c.3559G>A), located in coding exon 7 of the MSH6 gene, results from a G to A substitution at nucleotide position 3559. The glutamic acid at codon 1187 is replaced by lysine, an amino acid with similar properties. This amino acid position is highly conserved in available vertebrate species. In addition, this alteration is predicted to be deleterious by in silico analysis. Since supporting evidence is limited at this time, the clinical significance of this alteration remains unclear.

NM_000179.3(MSH6):c.3559G>A (p.Glu1187Lys)

Gene: MSH6 (mutS homolog 6; plus strand). Cytogenetic location: 2p16.3.
Variant type: single nucleotide variant.
Coding change: c.3559G>A on transcript NM_000179.3 (MANE Select); coding-DNA position 3559, G replaced by A.
Protein change: p.Glu1187Lys; replaces glutamic acid 1187 with lysine.
Molecular consequence: missense variant. On other transcripts: non-coding transcript variant (5).
Genome position (GRCh38, 1-based): chr2:47,805,620, G>A. VCF-style: chr2-47805620-G-A. GRCh37 (hg19) VCF-style: chr2-48032759-G-A.
Other names: c.3169G>A, p.Glu1057Lys (NM_001281492.2); c.2653G>A, p.Glu885Lys (NM_001281493.2, NM_001281494.2, NM_001406811.1 and 6 more transcripts); c.3655G>A, p.Glu1219Lys (NM_001406795.1, NM_001406802.1); c.3559G>A, p.Glu1187Lys (NM_001406796.1, NM_001406800.1, NM_001406808.1 and 1 more transcripts); c.3262G>A, p.Glu1088Lys (NM_001406797.1, NM_001406801.1, NM_001406805.1 and 10 more transcripts); c.3385G>A, p.Glu1129Lys (NM_001406798.1); c.3034G>A, p.Glu1012Lys (NM_001406799.1, NM_001406806.1, NM_001406807.1); c.2695G>A, p.Glu899Lys (NM_001406803.1); and 7 more; short protein forms E1057K, E1088K, E1129K, E1189K, E136K, E665K, E1131K, E502K.
Identifiers: ClinVar variation 2567485 (VCV002567485.2), dbSNP rs1553332616, ClinGen allele CA346760410.